The following is an entry in ClinVar:

ClinVar aggregate classification (germline): Pathogenic. Review status: criteria provided, multiple submitters, no conflicts (2 of 4 stars). 2 submissions from 2 submitters: Pathogenic (2). Last evaluated 2023-02-02.

Conditions:
Duchenne muscular dystrophy (DMD). Also called: MUSCULAR DYSTROPHY, PSEUDOHYPERTROPHIC PROGRESSIVE, DUCHENNE TYPE; Duchenne Muscular Dystrophy (DMD). Identifiers: Orphanet 98896, MedGen C0013264, MONDO:0010679, OMIM 310200.

Submissions (2):

Labcorp Genetics (formerly Invitae), Labcorp
Classification: Pathogenic for Duchenne muscular dystrophy. Last evaluated: 2023-02-02. Review status: criteria provided, single submitter. Criteria: Invitae Variant Classification Sherloc (09022015). Collection method: clinical testing. Allele origin: germline.
Comment: This sequence change creates a premature translational stop signal (p.Glu1540*) in the DMD gene. It is expected to result in an absent or disrupted protein product. Loss-of-function variants in DMD are known to be pathogenic (PMID: 16770791, 25007885). This variant is not present in population databases (gnomAD no frequency). This premature translational stop signal has been observed in individual(s) with DMD-related dystrophinopathy (PMID: 19937601). ClinVar contains an entry for this variant (Variation ID: 497172). Algorithms developed to predict the effect of sequence changes on RNA splicing suggest that this variant may disrupt the consensus splice site. For these reasons, this variant has been classified as Pathogenic.

Eurofins Ntd Llc (ga)
Classification: Pathogenic. Last evaluated: 2016-10-03. Review status: criteria provided, single submitter. Criteria: EGL Classification Definitions 2015. Collection method: clinical testing. Allele origin: germline. Observed: 1 variant allele, 1 hemizygote.

Literature cited by the submitters: PubMed 16770791 (cited by Labcorp Genetics (formerly Invitae), Labcorp); PubMed 25007885 (cited by Labcorp Genetics (formerly Invitae), Labcorp); PubMed 19937601 (cited by Labcorp Genetics (formerly Invitae), Labcorp).

NM_004006.3(DMD):c.4618G>T (p.Glu1540Ter)

Gene: DMD (dystrophin; minus strand). Cytogenetic location: Xp21.1.
Variant type: single nucleotide variant.
Coding change: c.4618G>T on transcript NM_004006.3 (MANE Select); coding-DNA position 4618, G replaced by T.
Protein change: p.Glu1540Ter; replaces glutamic acid 1540 with a stop codon.
Molecular consequence: nonsense.
Genome position (GRCh38, 1-based): chrX:32,386,366, C>A on the plus strand (G>T on the coding strand, the complement: DMD is on the minus strand). VCF-style: chrX-32386366-C-A. GRCh37 (hg19) VCF-style: chrX-32404483-C-A.
Other names: c.4594G>T, p.Glu1532Ter (NM_000109.4); c.4606G>T, p.Glu1536Ter (NM_004009.3); c.4249G>T, p.Glu1417Ter (NM_004010.3); c.595G>T, p.Glu199Ter (NM_004011.4); c.586G>T, p.Glu196Ter (NM_004012.4); short protein forms E1540*, E1417*, E196*, E1536*, E199*, E1532*.
Identifiers: ClinVar variation 497172 (VCV000497172.15), dbSNP rs1557320151, ClinGen allele CA412662587.
Genomic context (GRCh38, chrX:32,386,366, plus strand): 5'-ACACCTTTGCTCCCAGCTCATTATAATGCAATTTCAAAGCTGTTACTCTTTCATCAAGTT[C>A]TTTGGGATTTTCCGTCTGCTTTTTCTGTACAATCTGACGTCCAGTCTTTATCACCATTTC-3'